The following is an entry in ClinVar:

ClinVar aggregate classification (germline): Uncertain significance (1 of 4 stars; one submission).

gnomAD v4.1: 5 of 1,596,866 alleles (0.00031%); highest among the groups gnomAD compares: East Asian, 0.0045%; no homozygotes.

Submission:

Ambry Genetics
Classification: Uncertain significance. Last evaluated: 2024-11-30. Review status: criteria provided, single submitter. Criteria: Ambry Variant Classification Scheme 2023. Collection method: clinical testing. Allele origin: germline.
Comment: The p.E134V variant (also known as c.401A>T), located in coding exon 3 of the ATRIP gene, results from an A to T substitution at nucleotide position 401. The glutamic acid at codon 134 is replaced by valine, an amino acid with dissimilar properties. This amino acid position is conserved. In addition, the in silico prediction for this alteration is inconclusive. Based on the available evidence, the clinical significance of this variant remains unclear.

NM_130384.3(ATRIP):c.401A>T (p.Glu134Val)

Genes: ATRIP (ATR interacting protein; plus strand), ATRIP-TREX1 (ATRIP-TREX1 readthrough; plus strand). Cytogenetic location: 3p21.31.
Variant type: single nucleotide variant.
Coding change: c.401A>T on transcript NM_130384.3 (MANE Select); coding-DNA position 401, A replaced by T.
Protein change: p.Glu134Val; replaces glutamic acid 134 with valine.
Molecular consequence: missense variant. On other transcripts: non-coding transcript variant (1).
Genome position (GRCh38, 1-based): chr3:48,451,748, A>T. VCF-style: chr3-48451748-A-T. GRCh37 (hg19) VCF-style: chr3-48493154-A-T.
Other names: c.20A>T, p.Glu7Val (NM_001271022.2); c.122A>T, p.Glu41Val (NM_001271023.2); c.401A>T, p.Glu134Val (NM_032166.4); short protein forms E134V, E41V, E7V.
Identifiers: ClinVar variation 3464799 (VCV003464799.1).